The following is an entry in ClinVar:

NM_201596.3(CACNB2):c.1178T>C (p.Ile393Thr)

Gene: CACNB2 (calcium voltage-gated channel auxiliary subunit beta 2; plus strand). Cytogenetic location: 10p12.31.
Variant type: single nucleotide variant.
Coding change: c.1178T>C on transcript NM_201596.3 (MANE Select); coding-DNA position 1178, T replaced by C.
Protein change: p.Ile393Thr; replaces isoleucine 393 with threonine.
Molecular consequence: missense variant.
Genome position (GRCh38, 1-based): chr10:18,534,199, T>C. VCF-style: chr10-18534199-T-C. GRCh37 (hg19) VCF-style: chr10-18823128-T-C.
Other names: c.1013T>C, p.Ile338Thr (NM_000724.4); c.980T>C, p.Ile327Thr (NM_001167945.2); c.899T>C, p.Ile300Thr (NM_001330060.2); c.1034T>C, p.Ile345Thr (NM_201570.3); c.1094T>C, p.Ile365Thr (NM_201571.4); c.1022T>C, p.Ile341Thr (NM_201572.4); c.1016T>C, p.Ile339Thr (NM_201590.3); c.1064T>C, p.Ile355Thr (NM_201593.3); and 1 more; short protein forms I339T, I393T, I341T, I300T, I327T, I338T, I369T, I365T.
Identifiers: ClinVar variation 242259 (VCV000242259.14), dbSNP rs139749312, ClinGen allele CA5429928.

ClinVar aggregate classification (germline): Uncertain significance. Review status: criteria provided, multiple submitters, no conflicts (2 of 4 stars). 3 submissions from 3 submitters: Uncertain significance (3). Last evaluated 2025-06-01.

Conditions:
Cardiovascular phenotype. Identifiers: MedGen CN230736.
Brugada syndrome 4 (BRGDA4). Identifiers: Orphanet 130, MedGen C2678477, MONDO:0012743, OMIM 611876.

Allele frequency attached by ClinVar (database versions not stated): ExAC 0.00001; gnomAD 0.00005 and 0.00006; TOPMed 0.00005.
gnomAD v4.1: 45 of 1,613,286 alleles (0.0028%); highest among the groups gnomAD compares: African/African-American, 0.004%; no homozygotes.

Submissions (3):

Labcorp Genetics (formerly Invitae), Labcorp
Classification: Uncertain significance for Brugada syndrome 4. Last evaluated: 2025-06-01. Review status: criteria provided, single submitter. Criteria: Invitae Variant Classification Sherloc (09022015). Collection method: clinical testing. Allele origin: germline.
Comment: This sequence change replaces isoleucine, which is neutral and non-polar, with threonine, which is neutral and polar, at codon 339 of the CACNB2 protein (p.Ile339Thr). This variant is present in population databases (rs139749312, gnomAD 0.006%). This variant has not been reported in the literature in individuals affected with CACNB2-related conditions. ClinVar contains an entry for this variant (Variation ID: 242259). Invitae Evidence Modeling of protein sequence and biophysical properties (such as structural, functional, and spatial information, amino acid conservation, physicochemical variation, residue mobility, and thermodynamic stability) indicates that this missense variant is not expected to disrupt CACNB2 protein function with a negative predictive value of 80%. In summary, the available evidence is currently insufficient to determine the role of this variant in disease. Therefore, it has been classified as a Variant of Uncertain Significance.

Ambry Genetics
Classification: Uncertain significance for Cardiovascular phenotype. Last evaluated: 2024-03-14. Review status: criteria provided, single submitter. Criteria: Ambry Variant Classification Scheme 2023. Collection method: clinical testing. Allele origin: germline.
Comment: The p.I339T variant (also known as c.1016T>C), located in coding exon 10 of the CACNB2 gene, results from a T to C substitution at nucleotide position 1016. The isoleucine at codon 339 is replaced by threonine, an amino acid with similar properties. This amino acid position is well conserved in available vertebrate species. In addition, the in silico prediction for this alteration is inconclusive. The evidence for this gene-disease relationship is limited; therefore, the clinical significance of this alteration is unclear.

Fulgent Genetics
Classification: Uncertain significance for Brugada syndrome 4. Last evaluated: 2021-08-03. Review status: criteria provided, single submitter. Criteria: ACMG Guidelines, 2015. Collection method: clinical testing. Allele origin: unknown.